The following is an entry in ClinVar:

ClinVar aggregate classification (germline): Conflicting classifications of pathogenicity. Review status: criteria provided, conflicting classifications (1 of 4 stars). 2 submissions from 2 submitters: Uncertain significance (1); Likely benign (1). Last evaluated 2023-12-05.

Conditions:
Inborn genetic diseases. Identifiers: MedGen C0950123, MeSH D030342.

Allele frequency attached by ClinVar (database versions not stated): ExAC 0.00004; gnomAD exomes 0.00004; gnomAD 0.00006; TOPMed 0.00011; 1000 Genomes Project 30x 0.00016; 1000 Genomes Project 0.00020.
gnomAD v4.1: 68 of 1,564,660 alleles (0.0043%); highest among the groups gnomAD compares: African/African-American, 0.0081%; no homozygotes.

Submissions (2):

Blueprint Genetics
Classification: Likely benign. Last evaluated: 2023-12-05. Review status: criteria provided, single submitter. Criteria: ACMG Guidelines, 2015. Collection method: clinical testing. Allele origin: germline.

Ambry Genetics
Classification: Uncertain significance for Inborn genetic diseases. Last evaluated: 2022-08-04. Review status: criteria provided, single submitter. Criteria: Ambry Variant Classification Scheme 2023. Collection method: clinical testing. Allele origin: germline.
Comment: The c.757-5C>T intronic alteration consists of a C to T substitution 5 nucleotides before exon 7 of the MYO5A gene. Based on insufficient or conflicting evidence, the clinical significance of this alteration remains unclear.

NM_001382347.1(MYO5A):c.757-5C>T

Gene: MYO5A (myosin VA; minus strand). Cytogenetic location: 15q21.2.
Variant type: single nucleotide variant.
Coding change: c.757-5C>T on transcript NM_001382347.1 (MANE Select); 5 bases into the intron before coding-DNA position 757, C replaced by T.
Molecular consequence: intron variant.
Genome position (GRCh38, 1-based): chr15:52,408,145, G>A on the plus strand (C>T on the coding strand, the complement: MYO5A is on the minus strand). VCF-style: chr15-52408145-G-A. GRCh37 (hg19) VCF-style: chr15-52700342-G-A.
Other names: c.757-5C>T (NM_000259.3, NM_001142495.2); c.829-5C>T (NM_001382349.1, NM_001382348.1).
Identifiers: ClinVar variation 2237145 (VCV002237145.3), dbSNP rs571680559, ClinGen allele CA7569143.
Genomic context (GRCh38, chr15:52,408,145, plus strand): 5'-AACTTTGCTGAGGCACAAAGCTGATAGAAGATATGATAGTTTCTCTCCTCTTCTGCCTTC[G>A]AAATAAGAAGAGTTTTCAATTACAGCATTTTAATCTAAAATTCAGGGAATTCTATCATAA-3'